The following is an entry in ClinVar:

NM_014319.5(LEMD3):c.614C>T (p.Pro205Leu)

Gene: LEMD3 (LEM domain containing 3; plus strand). Cytogenetic location: 12q14.3.
Variant type: single nucleotide variant.
Coding change: c.614C>T on transcript NM_014319.5 (MANE Select); coding-DNA position 614, C replaced by T.
Protein change: p.Pro205Leu; replaces proline 205 with leucine.
Molecular consequence: missense variant.
Genome position (GRCh38, 1-based): chr12:65,170,210, C>T. VCF-style: chr12-65170210-C-T. GRCh37 (hg19) VCF-style: chr12-65563990-C-T.
Other names: c.614C>T (NM_014319.4); c.614C>T, p.Pro205Leu (NM_001167614.2); short protein forms P205L.
Identifiers: ClinVar variation 1947192 (VCV001947192.6), dbSNP rs1260729037, ClinGen allele CA385673589.

ClinVar aggregate classification (germline): Uncertain significance. Review status: criteria provided, multiple submitters, no conflicts (2 of 4 stars). 2 submissions from 2 submitters: Uncertain significance (2). Last evaluated 2024-08-28.

Submissions (2):

Labcorp Genetics (formerly Invitae), Labcorp
Classification: Uncertain significance. Last evaluated: 2024-08-28. Review status: criteria provided, single submitter. Criteria: Invitae Variant Classification Sherloc (09022015). Collection method: clinical testing. Allele origin: germline.
Comment: This sequence change replaces proline, which is neutral and non-polar, with leucine, which is neutral and non-polar, at codon 205 of the LEMD3 protein (p.Pro205Leu). This variant is not present in population databases (gnomAD no frequency). This variant has not been reported in the literature in individuals affected with LEMD3-related conditions. ClinVar contains an entry for this variant (Variation ID: 1947192). Invitae Evidence Modeling of protein sequence and biophysical properties (such as structural, functional, and spatial information, amino acid conservation, physicochemical variation, residue mobility, and thermodynamic stability) indicates that this missense variant is not expected to disrupt LEMD3 protein function with a negative predictive value of 80%. In summary, the available evidence is currently insufficient to determine the role of this variant in disease. Therefore, it has been classified as a Variant of Uncertain Significance.

GeneDx
Classification: Uncertain significance. Last evaluated: 2022-10-21. Review status: criteria provided, single submitter. Criteria: GeneDx Variant Classification Process June 2021. Collection method: clinical testing. Allele origin: germline. Affected: yes.
Comment: Not observed at significant frequency in large population cohorts (gnomAD); In silico analysis supports that this missense variant does not alter protein structure/function; Has not been previously published as pathogenic or benign to our knowledge